The following is an entry in ClinVar:

NM_006445.4(PRPF8):c.2181+5del

Gene: PRPF8 (pre-mRNA processing factor 8; minus strand). Cytogenetic location: 17p13.3.
Variant type: Deletion.
Coding change: c.2181+5del on transcript NM_006445.4 (MANE Select); 5 bases into the intron after coding-DNA position 2181, one base deleted (G; older notation c.2181+5delG).
Molecular consequence: intron variant.
Genome position (GRCh38, 1-based): chr17:1,676,971, C deleted on the plus strand (G on the coding strand, the reverse complement: PRPF8 is on the minus strand); the first of 3 consecutive C bases (chr17:1,676,971-1,676,973); deleting any one gives the same sequence. VCF-style (leftmost placement, unchanged base first): chr17-1676970-AC-A. GRCh37 (hg19) VCF-style: chr17-1580264-AC-A.
Identifiers: ClinVar variation 971504 (VCV000971504.7), dbSNP rs776292405, ClinGen allele CA8272183.

ClinVar aggregate classification (germline): Uncertain significance (1 of 4 stars; one submission).

Submission:

Labcorp Genetics (formerly Invitae), Labcorp
Classification: Uncertain significance. Last evaluated: 2025-01-14. Review status: criteria provided, single submitter. Criteria: Invitae Variant Classification Sherloc (09022015). Collection method: clinical testing. Allele origin: germline.
Comment: This sequence change falls in intron 15 of the PRPF8 gene. It does not directly change the encoded amino acid sequence of the PRPF8 protein. It affects a nucleotide within the consensus splice site. This variant is present in population databases (rs776292405, gnomAD 0.02%). This variant has not been reported in the literature in individuals affected with PRPF8-related conditions. ClinVar contains an entry for this variant (Variation ID: 971504). Variants that disrupt the consensus splice site are a relatively common cause of aberrant splicing (PMID: 17576681, 9536098). Algorithms developed to predict the effect of sequence changes on RNA splicing suggest that this variant may disrupt the consensus splice site. In summary, the available evidence is currently insufficient to determine the role of this variant in disease. Therefore, it has been classified as a Variant of Uncertain Significance.

Literature cited by the submitters: PubMed 17576681; PubMed 9536098.